The following is an entry in ClinVar:

ClinVar aggregate classification (germline): Uncertain significance (1 of 4 stars; one submission).

gnomAD v4.1: 12 of 1,613,220 alleles (0.00074%); highest among the groups gnomAD compares: African/African-American, 0.0013%; no homozygotes.

Submission:

Labcorp Genetics (formerly Invitae), Labcorp
Classification: Uncertain significance. Last evaluated: 2024-07-19. Review status: criteria provided, single submitter. Criteria: Invitae Variant Classification Sherloc (09022015). Collection method: clinical testing. Allele origin: germline.
Comment: This sequence change replaces alanine, which is neutral and non-polar, with threonine, which is neutral and polar, at codon 494 of the CTR9 protein (p.Ala494Thr). The frequency data for this variant in the population databases is considered unreliable, as metrics indicate poor data quality at this position in the gnomAD database. This variant has not been reported in the literature in individuals affected with CTR9-related conditions. An algorithm developed to predict the effect of missense changes on protein structure and function (PolyPhen-2) suggests that this variant is likely to be disruptive. In summary, the available evidence is currently insufficient to determine the role of this variant in disease. Therefore, it has been classified as a Variant of Uncertain Significance.

NM_014633.5(CTR9):c.1480G>A (p.Ala494Thr)

Genes: CTR9 (CTR9 component of Paf1/RNA polymerase II complex; plus strand), LOC126861140 (CDK7 strongly-dependent group 2 enhancer GRCh37_chr11:10785333-10786532; plus strand). Cytogenetic location: 11p15.4.
Variant type: single nucleotide variant.
Coding change: c.1480G>A on transcript NM_014633.5 (MANE Select); coding-DNA position 1480, G replaced by A.
Protein change: p.Ala494Thr; replaces alanine 494 with threonine.
Molecular consequence: missense variant.
Genome position (GRCh38, 1-based): chr11:10,764,614, G>A. VCF-style: chr11-10764614-G-A. GRCh37 (hg19) VCF-style: chr11-10786161-G-A.
Other names: c.1480G>A, p.Ala494Thr (NM_001346279.2); short protein forms A494T.
Identifiers: ClinVar variation 3710528 (VCV003710528.2).